The following is an entry in ClinVar:

ClinVar aggregate classification (germline): Conflicting classifications of pathogenicity. Review status: criteria provided, conflicting classifications (1 of 4 stars). 2 submissions from 2 submitters: Likely pathogenic (1); Uncertain significance (1). Last evaluated 2021-05-17.

Conditions:
AGO1-related Intellectual disability.

Submissions (2):

New York Genome Center
Classification: Likely pathogenic for AGO1-related Intellectual disability. Last evaluated: 2021-05-17. Review status: criteria provided, single submitter. Criteria: NYGC Assertion Criteria 2020. Collection method: clinical testing. Allele origin: de novo. Observed: 1 heterozygote. Study: CSER-NYCKidSeq.
Comment: The heterozygous de novo c.2342C>T, p.Thr781Met missense variant identified in AGO1 has not been reported in the literature. This variant is not reported inthe gnomAD v3.1 database, indicating a rare allele, and in silico tools predict a deleterious effect. The variant is located in the PIWI domain of AGO1 protein. PIWI domain is found in the protein Piwi and its relatives and the function of this domain is the dsRNA guided hydrolysis of ssRNA (PMID:19536157). Based on the available evidence, the de novo variant c.2342C>T, p.Thr781Met in the AGO1 gene is classified as likely pathogenic.

HudsonAlpha Institute for Biotechnology
Classification: Uncertain significance. Last evaluated: 2020-03-03. Review status: criteria provided, single submitter. Criteria: ACMG Guidelines, 2015. Collection method: research. Allele origin: unknown. Observed: 1 variant allele. Study: HudsonAlpha-AGHI-WGS.
Comment: ACMG codes:PM2

NM_012199.5(AGO1):c.2342C>T (p.Thr781Met)

Gene: AGO1 (argonaute RISC component 1; plus strand). Cytogenetic location: 1p34.3.
Variant type: single nucleotide variant.
Coding change: c.2342C>T on transcript NM_012199.5 (MANE Select); coding-DNA position 2342, C replaced by T.
Protein change: p.Thr781Met; replaces threonine 781 with methionine.
Molecular consequence: missense variant.
Genome position (GRCh38, 1-based): chr1:35,919,131, C>T. VCF-style: chr1-35919131-C-T. GRCh37 (hg19) VCF-style: chr1-36384732-C-T.
Other names: c.2342C>T, p.Thr781Met (NM_001317122.2); c.2117C>T, p.Thr706Met (NM_001317123.2); short protein forms T706M, T781M.
Identifiers: ClinVar variation 1251931 (VCV001251931.2), dbSNP rs2148725999, ClinGen allele CA339363797.
Genomic context (GRCh38, chr1:35,919,131, plus strand): 5'-CCCATTACTATGTTCTTTGGGATGACAACCGTTTCACAGCAGATGAGCTCCAGATCCTGA[C>T]GTACCAGCTGTGCCACACTTACGTACGATGCACACGCTCTGTCTCTATCCCAGCACCTGC-3'
Protein context (NP_036331.1, residues 771-791): RFTADELQIL[Thr781Met]YQLCHTYVRC